The following is an entry in ClinVar:

NM_000283.4(PDE6B):c.1852A>C (p.Lys618Gln)

Gene: PDE6B (phosphodiesterase 6B; plus strand). Cytogenetic location: 4p16.3.
Variant type: single nucleotide variant.
Coding change: c.1852A>C on transcript NM_000283.4 (MANE Select); coding-DNA position 1852, A replaced by C.
Protein change: p.Lys618Gln; replaces lysine 618 with glutamine.
Molecular consequence: missense variant.
Genome position (GRCh38, 1-based): chr4:663,119, A>C. VCF-style: chr4-663119-A-C. GRCh37 (hg19) VCF-style: chr4-656908-A-C.
Other names: c.1852A>C, p.Lys618Gln (NM_001145291.2); c.1015A>C, p.Lys339Gln (NM_001145292.2, NM_001350154.3, NM_001379246.1 and 1 more transcripts); c.697A>C, p.Lys233Gln (NM_001350155.3); short protein forms K233Q, K339Q, K618Q.
Identifiers: ClinVar variation 1050924 (VCV001050924.9), dbSNP rs1169477125, ClinGen allele CA355917778.

ClinVar aggregate classification (germline): Uncertain significance (1 of 4 stars; one submission).

Allele frequency attached by ClinVar (database versions not stated): gnomAD exomes below 0.00001 and 0.00001.
gnomAD v4.1: 2 of 1,610,426 alleles (0.00012%); highest among the groups gnomAD compares: Admixed American, 0.0033%; no homozygotes.

Submission:

Labcorp Genetics (formerly Invitae), Labcorp
Classification: Uncertain significance. Last evaluated: 2020-01-01. Review status: criteria provided, single submitter. Criteria: Invitae Variant Classification Sherloc (09022015). Collection method: clinical testing. Allele origin: germline.
Comment: Algorithms developed to predict the effect of missense changes on protein structure and function are either unavailable or do not agree on the potential impact of this missense change (SIFT: "Tolerated"; PolyPhen-2: "Possibly Damaging"; Align-GVGD: "Class C0"). This variant has not been reported in the literature in individuals with PDE6B-related conditions. This variant is not present in population databases (ExAC no frequency). This sequence change replaces lysine with glutamine at codon 618 of the PDE6B protein (p.Lys618Gln). The lysine residue is highly conserved and there is a small physicochemical difference between lysine and glutamine. In summary, the available evidence is currently insufficient to determine the role of this variant in disease. Therefore, it has been classified as a Variant of Uncertain Significance.